The following is an entry in ClinVar:

NM_001457.4(FLNB):c.4570G>C (p.Gly1524Arg)

Gene: FLNB (filamin B; plus strand). Cytogenetic location: 3p14.3.
Variant type: single nucleotide variant.
Coding change: c.4570G>C on transcript NM_001457.4 (MANE Select); coding-DNA position 4570, G replaced by C.
Protein change: p.Gly1524Arg; replaces glycine 1524 with arginine.
Molecular consequence: missense variant.
Genome position (GRCh38, 1-based): chr3:58,134,671, G>C. VCF-style: chr3-58134671-G-C. GRCh37 (hg19) VCF-style: chr3-58120398-G-C.
Other names: c.4663G>C, p.Gly1555Arg (NM_001164317.2); c.4570G>C, p.Gly1524Arg (NM_001164318.2, NM_001164319.2); short protein forms G1524R, G1555R.
Identifiers: ClinVar variation 2444317 (VCV002444317.1), dbSNP rs2107220190, ClinGen allele CA353351687.
Genomic context (GRCh38, chr3:58,134,671, plus strand): 5'-TCAAGTCCCTTCAAGGTCAAGGTCCTTCCCACATATGATGCCAGCAAAGTGACTGCCAGT[G>C]GCCCCGGCCTTAGTTCCTATGGTGTGCCTGCCAGTCTACCTGTGGACTTTGCAATTGATG-3'
Protein context (NP_001448.2, residues 1514-1534): TYDASKVTAS[Gly1524Arg]PGLSSYGVPA

ClinVar aggregate classification (germline): Uncertain significance (1 of 4 stars; one submission).

Conditions:
Larsen syndrome (LRS). Also called: Larsen syndrome (FLNB-LS); Bilateral dislocation of the knees, pes cavus, cylindrically shaped fingers and characteristic facies. Identifiers: Orphanet 503, MedGen C0175778, MONDO:0007875, OMIM 150250. Disease mechanism: loss of function.

Submission:

3billion
Classification: Uncertain significance for Larsen syndrome. Last evaluated: 2023-02-23. Review status: criteria provided, single submitter. Criteria: ACMG Guidelines, 2015. Collection method: clinical testing. Allele origin: unknown. Affected: yes.
Comment: The variant is not observed in the gnomAD v2.1.1 dataset. Missense changes are a common disease-causing mechanism. In silico tool predictions suggest damaging effect of the variant on gene or gene product (REVEL: 0.94). Different missense changes at the same codon (p.Gly1524Asp, p.Gly1524Ser) have been reported to be associated with FLNB related disorder (ClinVar ID: VCV001683438 / PMID: 27048506). However, the evidence of pathogenicity is insufficient at this time. Therefore, this variant is classified as VUS according to the recommendation of ACMG/AMP guideline.

Literature cited by the submitters: PubMed 27048506.